The following is an entry in ClinVar:

NM_031475.3(ESPN):c.250G>T (p.Ala84Ser)

Gene: ESPN (espin; plus strand). Cytogenetic location: 1p36.31.
Variant type: single nucleotide variant.
Coding change: c.250G>T on transcript NM_031475.3 (MANE Select); coding-DNA position 250, G replaced by T.
Protein change: p.Ala84Ser; replaces alanine 84 with serine.
Molecular consequence: missense variant.
Genome position (GRCh38, 1-based): chr1:6,425,205, G>T. VCF-style: chr1-6425205-G-T. GRCh37 (hg19) VCF-style: chr1-6485265-G-T.
Other names: c.250G>T, p.Ala84Ser (NM_001367473.1, NM_001367474.1); short protein forms A84S.
Identifiers: ClinVar variation 668259 (VCV000668259.12), dbSNP rs184469259, ClinGen allele CA559835.

ClinVar aggregate classification (germline): Benign/Likely benign. Review status: criteria provided, multiple submitters, no conflicts (2 of 4 stars). 3 submissions from 3 submitters: Benign (2); Likely benign (1). Last evaluated 2025-10-27.

Allele frequency attached by ClinVar (database versions not stated): ESP Exome Variant Server 0.00214; gnomAD 0.00414 and 0.00449; 1000 Genomes Project 30x 0.00422; 1000 Genomes Project 0.00459; TOPMed 0.00506; gnomAD exomes 0.00037 and 0.00091; ExAC 0.00138.
gnomAD v4.1: 1,181 of 1,551,716 alleles (0.076%); highest among the groups gnomAD compares: African/African-American, 1.4%; 15 homozygotes.

Submissions (3):

Labcorp Genetics (formerly Invitae), Labcorp
Classification: Benign. Last evaluated: 2025-10-27. Review status: criteria provided, single submitter. Criteria: Invitae Variant Classification Sherloc (09022015). Collection method: clinical testing. Allele origin: germline.

Blueprint Genetics
Classification: Likely benign. Last evaluated: 2024-08-30. Review status: criteria provided, single submitter. Criteria: ACMG Guidelines, 2015. Collection method: clinical testing. Allele origin: germline.

GeneDx
Classification: Benign. Last evaluated: 2018-06-08. Review status: criteria provided, single submitter. Criteria: GeneDx Variant Classification (06012015). Collection method: clinical testing. Allele origin: germline. Affected: yes.
Comment: This variant is considered likely benign or benign based on one or more of the following criteria: it is a conservative change, it occurs at a poorly conserved position in the protein, it is predicted to be benign by multiple in silico algorithms, and/or has population frequency not consistent with disease.